The following is an entry in ClinVar:

ClinVar aggregate classification (germline): Uncertain significance (1 of 4 stars; one submission).

gnomAD v4.1: 8 of 1,613,880 alleles (0.0005%); highest among the groups gnomAD compares: Non-Finnish European, 0.00059%; no homozygotes.

Submission:

GeneDx
Classification: Uncertain significance. Last evaluated: 2026-04-02. Review status: criteria provided, single submitter. Criteria: GeneDx Variant Classification Process June 2021. Collection method: clinical testing. Allele origin: germline.
Comment: Not observed at significant frequency in large population cohorts (gnomAD); In silico analysis suggests that this missense variant does not alter protein structure/function; Has not been previously published as pathogenic or benign to our knowledge

NM_001252102.2(KIF21B):c.3635C>T (p.Thr1212Ile)

Gene: KIF21B (kinesin family member 21B; minus strand). Cytogenetic location: 1q32.1.
Variant type: single nucleotide variant.
Coding change: c.3635C>T on transcript NM_001252102.2 (MANE Select); coding-DNA position 3635, C replaced by T.
Protein change: p.Thr1212Ile; replaces threonine 1212 with isoleucine.
Molecular consequence: missense variant.
Genome position (GRCh38, 1-based): chr1:200,986,898, G>A on the plus strand (C>T on the coding strand, the complement: KIF21B is on the minus strand). VCF-style: chr1-200986898-G-A. GRCh37 (hg19) VCF-style: chr1-200956026-G-A.
Other names: c.3635C>T, p.Thr1212Ile (NM_001252100.2, NM_001252103.2, NM_017596.4); short protein forms T1212I.
Identifiers: ClinVar variation 5018193 (VCV005018193.1).